The following is an entry in ClinVar:

NC_000015.9:g.(?_28211816)_(28235813_?)del

Gene: OCA2 (OCA2 melanosomal transmembrane protein; minus strand). Cytogenetic location: 15q13.1.
Variant type: Deletion.
Identifiers: ClinVar variation 1454821 (VCV001454821.7).

ClinVar aggregate classification (germline): Pathogenic (1 of 4 stars; one submission).

Submission:

Labcorp Genetics (formerly Invitae), Labcorp
Classification: Pathogenic. Last evaluated: 2023-10-16. Review status: criteria provided, single submitter. Criteria: Invitae Variant Classification Sherloc (09022015). Collection method: clinical testing. Allele origin: germline.
Comment: This variant is a gross deletion of the genomic region encompassing exon(s) 10-15 of the OCA2 gene. This deletion is out-of-frame, and is expected to create a premature termination codon and result in an absent or disrupted protein product. Loss-of-function variants in OCA2 are known to be pathogenic (PMID: 19865097, 21541274). This variant has not been reported in the literature in individuals affected with OCA2-related conditions. For these reasons, this variant has been classified as Pathogenic.

Literature cited by the submitters: PubMed 19865097; PubMed 21541274.